The following is an entry in ClinVar:

ClinVar aggregate classification (germline): Likely benign. Review status: criteria provided, multiple submitters, no conflicts (2 of 4 stars). 2 submissions from 2 submitters: Likely benign (2). Last evaluated 2025-01-01.

Submissions (2):

CeGaT Center for Human Genetics Tuebingen
Classification: Likely benign. Last evaluated: 2025-01-01. Review status: criteria provided, single submitter. Criteria: CeGaT Center For Human Genetics Tuebingen Variant Classification Criteria Version 2. Collection method: clinical testing. Allele origin: germline. Affected: yes. Observed: 1 variant allele.
Comment: COL4A1: PM2:Supporting, BP4, BP7

Labcorp Genetics (formerly Invitae), Labcorp
Classification: Likely benign. Last evaluated: 2022-03-22. Review status: criteria provided, single submitter. Criteria: Invitae Variant Classification Sherloc (09022015). Collection method: clinical testing. Allele origin: germline.

NM_001845.6(COL4A1):c.1641C>T (p.Gly547=)

Gene: COL4A1 (collagen type IV alpha 1 chain; minus strand). Cytogenetic location: 13q34.
Variant type: single nucleotide variant.
Coding change: c.1641C>T on transcript NM_001845.6 (MANE Select); coding-DNA position 1641, C replaced by T.
Protein change: p.Gly547=; no amino-acid change (glycine 547 retained).
Molecular consequence: synonymous variant.
Genome position (GRCh38, 1-based): chr13:110,187,225, G>A on the plus strand (C>T on the coding strand, the complement: COL4A1 is on the minus strand). VCF-style: chr13-110187225-G-A. GRCh37 (hg19) VCF-style: chr13-110839572-G-A.
Identifiers: ClinVar variation 1943922 (VCV001943922.18), dbSNP rs2501800643, ClinGen allele CA484790479.
Genomic context (GRCh38, chr13:110,187,225, plus strand): 5'-CGGATGGCCATCTCTTCCAGGAGAACCCGCTCTCCCTGGCATGCCGGGCTGTCCTGGAAA[G>A]CCTGGGTCTCCTTTGTCACCTTTGAGCCGCAAGTCGAAATAAAACTCACCAGGCTCCCCC-3'
Protein context (NP_001836.3, residues 537-557): LRLKGDKGDP[Gly547=]FPGQPGMPGR